The following is an entry in ClinVar:

ClinVar aggregate classification (germline): Uncertain significance (1 of 4 stars; one submission).

Conditions:
POLD1-related polyposis and colorectal cancer syndrome (CRCS10). Also called: Colorectal cancer 10; COLORECTAL CANCER, SUSCEPTIBILITY TO, ON CHROMOSOME 19q; Colorectal cancer, susceptibility to, 10. Identifiers: Orphanet 220460, MedGen C2675481, MONDO:0012953, OMIM 612591.

Submission:

Labcorp Genetics (formerly Invitae), Labcorp
Classification: Uncertain significance for POLD1-related polyposis and colorectal cancer syndrome. Last evaluated: 2019-05-27. Review status: criteria provided, single submitter. Criteria: Invitae Variant Classification Sherloc (09022015). Collection method: clinical testing. Allele origin: germline.
Comment: This variant has not been reported in the literature in individuals with POLD1-related conditions. This variant is not present in population databases (ExAC no frequency). This sequence change replaces glycine with serine at codon 1063 of the POLD1 protein (p.Gly1063Ser). The glycine residue is moderately conserved and there is a small physicochemical difference between glycine and serine. Algorithms developed to predict the effect of missense changes on protein structure and function are either unavailable or do not agree on the potential impact of this missense change (SIFT: "Tolerated"; PolyPhen-2: "Probably Damaging"; Align-GVGD: "Class C0"). In summary, the available evidence is currently insufficient to determine the role of this variant in disease. Therefore, it has been classified as a Variant of Uncertain Significance.

NM_002691.4(POLD1):c.3187G>A (p.Gly1063Ser)

Gene: POLD1 (DNA polymerase delta 1, catalytic subunit; plus strand). Cytogenetic location: 19q13.33.
Variant type: single nucleotide variant.
Coding change: c.3187G>A on transcript NM_002691.4 (MANE Select); coding-DNA position 3187, G replaced by A.
Protein change: p.Gly1063Ser; replaces glycine 1063 with serine.
Molecular consequence: missense variant. On other transcripts: non-coding transcript variant (1).
Genome position (GRCh38, 1-based): chr19:50,417,238, G>A. VCF-style: chr19-50417238-G-A. GRCh37 (hg19) VCF-style: chr19-50920495-G-A.
Other names: c.3187G>A, p.Gly1063Ser (NM_001256849.1); c.3265G>A, p.Gly1089Ser (NM_001308632.1); short protein forms G1063S, G1089S.
Identifiers: ClinVar variation 948292 (VCV000948292.9), dbSNP rs2039339260, ClinGen allele CA406987467.
Genomic context (GRCh38, chr19:50,417,238, plus strand): 5'-CATCTGAATGCCCTGGAGGAGCGCTTCTCGCGCCTCTGGACGCAGTGCCAGCGCTGCCAG[G>A]GCAGCCTGCACGAGGACGTCATCTGCACCAGGTGTGTGCCATGTCCCGACCCTGGGCTGC-3'
Protein context (NP_002682.2, residues 1053-1073): RLWTQCQRCQ[Gly1063Ser]SLHEDVICTS